The following is an entry in ClinVar:

ClinVar aggregate classification (germline): Uncertain significance (1 of 4 stars; one submission).

Conditions:
Hypertrophic cardiomyopathy. Also called: HYPERTROPHIC MYOCARDIOPATHY. Identifiers: Orphanet 217569, MedGen C0007194, MeSH D002312, MONDO:0005045, HP:0001639.

Submission:

Labcorp Genetics (formerly Invitae), Labcorp
Classification: Uncertain significance for Hypertrophic cardiomyopathy. Last evaluated: 2022-03-25. Review status: criteria provided, single submitter. Criteria: Invitae Variant Classification Sherloc (09022015). Collection method: clinical testing. Allele origin: germline.
Comment: In summary, the available evidence is currently insufficient to determine the role of this variant in disease. Therefore, it has been classified as a Variant of Uncertain Significance. Algorithms developed to predict the effect of missense changes on protein structure and function are either unavailable or do not agree on the potential impact of this missense change (SIFT: "Deleterious"; PolyPhen-2: "Probably Damaging"; Align-GVGD: "Class C0"). This variant has not been reported in the literature in individuals affected with TPM1-related conditions. This variant is not present in population databases (gnomAD no frequency). This sequence change replaces leucine, which is neutral and non-polar, with methionine, which is neutral and non-polar, at codon 106 of the TPM1 protein (p.Leu106Met).

NM_001018005.2(TPM1):c.316C>A (p.Leu106Met)

Gene: TPM1 (tropomyosin 1; plus strand). Cytogenetic location: 15q22.2.
Variant type: single nucleotide variant.
Coding change: c.316C>A on transcript NM_001018005.2 (MANE Select); coding-DNA position 316, C replaced by A.
Protein change: p.Leu106Met; replaces leucine 106 with methionine.
Molecular consequence: missense variant.
Genome position (GRCh38, 1-based): chr15:63,057,060, C>A. VCF-style: chr15-63057060-C-A. GRCh37 (hg19) VCF-style: chr15-63349259-C-A.
Other names: c.316C>A, p.Leu106Met (NM_000366.6, NM_001018004.2, NM_001018006.2 and 20 more transcripts); c.208C>A, p.Leu70Met (NM_001018008.2, NM_001301289.2, NM_001330344.2 and 9 more transcripts); c.442C>A, p.Leu148Met (NM_001365778.1, NM_001407322.1, NM_001407323.1 and 1 more transcripts); short protein forms L106M, L70M, L148M.
Identifiers: ClinVar variation 2116772 (VCV002116772.4), dbSNP rs2542721632, ClinGen allele CA392720992.
Genomic context (GRCh38, chr15:63,057,060, plus strand): 5'-GCTTCTCTGAACAGACGCATCCAGCTGGTTGAGGAAGAGTTGGATCGTGCCCAGGAGCGT[C>A]TGGCAACAGCTTTGCAGAAGCTGGAGGAAGCTGAGAAGGCAGCAGATGAGAGTGAGAGGT-3'
Protein context (NP_001018005.1, residues 96-116): EEELDRAQER[Leu106Met]ATALQKLEEA